The following is an entry in ClinVar:

ClinVar aggregate classification (germline): Uncertain significance (1 of 4 stars; one submission).

Conditions:
Familial hemophagocytic lymphohistiocytosis 4 (FHL4). Also called: STX11-Related Familial Hemophagocytic Lymphohistiocytosis (STX11-fHLH). Identifiers: Orphanet 540, MedGen C1863728, MONDO:0011336, OMIM 603552.

Allele frequency attached by ClinVar (database versions not stated): gnomAD exomes below 0.00001.
gnomAD v4.1: 1 of 1,614,008 alleles (0.000062%); highest among the groups gnomAD compares: Non-Finnish European, 0.000085%; no homozygotes.

Submission:

Labcorp Genetics (formerly Invitae), Labcorp
Classification: Uncertain significance for Familial hemophagocytic lymphohistiocytosis 4. Last evaluated: 2022-05-22. Review status: criteria provided, single submitter. Criteria: Invitae Variant Classification Sherloc (09022015). Collection method: clinical testing. Allele origin: germline.
Comment: This sequence change replaces serine, which is neutral and polar, with leucine, which is neutral and non-polar, at codon 173 of the STX11 protein (p.Ser173Leu). This variant is not present in population databases (gnomAD no frequency). This variant has not been reported in the literature in individuals affected with STX11-related conditions. Algorithms developed to predict the effect of missense changes on protein structure and function (SIFT, PolyPhen-2, Align-GVGD) all suggest that this variant is likely to be disruptive. In summary, the available evidence is currently insufficient to determine the role of this variant in disease. Therefore, it has been classified as a Variant of Uncertain Significance.

NM_003764.4(STX11):c.518C>T (p.Ser173Leu)

Gene: STX11 (syntaxin 11; plus strand). Cytogenetic location: 6q24.2.
Variant type: single nucleotide variant.
Coding change: c.518C>T on transcript NM_003764.4 (MANE Select); coding-DNA position 518, C replaced by T.
Protein change: p.Ser173Leu; replaces serine 173 with leucine.
Molecular consequence: missense variant.
Genome position (GRCh38, 1-based): chr6:144,187,145, C>T. VCF-style: chr6-144187145-C-T. GRCh37 (hg19) VCF-style: chr6-144508282-C-T.
Other names: short protein forms S173L.
Identifiers: ClinVar variation 2176249 (VCV002176249.1), dbSNP rs2533803352, ClinGen allele CA365949416.